The following is an entry in ClinVar:

NM_000089.4(COL1A2):c.775G>A (p.Gly259Ser)

Gene: COL1A2 (collagen type I alpha 2 chain; plus strand). Cytogenetic location: 7q21.3.
Variant type: single nucleotide variant.
Coding change: c.775G>A on transcript NM_000089.4 (MANE Select); coding-DNA position 775, G replaced by A.
Protein change: p.Gly259Ser; replaces glycine 259 with serine.
Molecular consequence: missense variant.
Genome position (GRCh38, 1-based): chr7:94,408,806, G>A. VCF-style: chr7-94408806-G-A. GRCh37 (hg19) VCF-style: chr7-94038118-G-A.
Other names: short protein forms G259S.
Identifiers: ClinVar variation 3766051 (VCV003766051.4).

ClinVar aggregate classification (germline): Pathogenic/Likely pathogenic. Review status: criteria provided, multiple submitters, no conflicts (2 of 4 stars). 3 submissions from 3 submitters: Pathogenic (1); Likely pathogenic (2). Last evaluated 2026-01-21.

Conditions:
Cardiovascular phenotype. Identifiers: MedGen CN230736.
Combined osteogenesis imperfecta and Ehlers-Danlos syndrome 2. Also called: OIEDS SYNDROME 2. Identifiers: MedGen C5436847, MONDO:0030855, OMIM 619120.
Ehlers-Danlos syndrome, cardiac valvular type. Identifiers: Orphanet 230851, MedGen C4303789, MONDO:0009159, OMIM 225320.
Ehlers-Danlos syndrome, arthrochalasia type, 2. Also called: EHLERS-DANLOS SYNDROME, TYPE VIIB, AUTOSOMAL DOMINANT. Identifiers: MedGen CN293783, MONDO:0040501, OMIM 617821.
Osteogenesis imperfecta with normal sclerae, dominant form (OI4). Also called: OSTEOGENESIS IMPERFECTA, TYPE IV, WITH DENTINOGENESIS IMPERFECTA; OSTEOGENESIS IMPERFECTA WITH NORMAL SCLERAE; Osteogenesis imperfecta type 4; Osteogenesis Imperfecta Type IV; Common Variable Osteogenesis Imperfecta with Normal Sclerae. Identifiers: Orphanet 216820, Orphanet 666, MedGen C0268363, MONDO:0008148, OMIM 166220.
Osteogenesis imperfecta, perinatal lethal (OI2). Also called: OI, TYPE II; OSTEOGENESIS IMPERFECTA CONGENITA; VROLIK TYPE OF OSTEOGENESIS IMPERFECTA; OSTEOGENESIS IMPERFECTA, TYPE II; Osteogenesis imperfecta, dominant perinatal lethal; Osteogenesis imperfecta type 2. Identifiers: Orphanet 216804, MedGen C0268358, MONDO:0008147, OMIM 166210.
Osteogenesis imperfecta type III (OI3). Also called: Osteogenesis imperfecta type 3; OI type 3; Osteogenesis imperfecta, progressively deforming with normal sclerae; OI type III; Progressively Deforming Osteogenesis Imperfecta. Identifiers: Orphanet 216812, Orphanet 666, MedGen C0268362, MONDO:0009804, OMIM 259420.
Osteoporosis. Identifiers: MedGen C0029456, MONDO:0005298, OMIM 166710, HP:0000939.

Submissions (3):

Ambry Genetics
Classification: Likely pathogenic for Cardiovascular phenotype. Last evaluated: 2026-01-21. Review status: criteria provided, single submitter. Criteria: Ambry Variant Classification Scheme 2023. Collection method: clinical testing. Allele origin: germline.
Comment: The c.775G>A (p.G259S) alteration is located in exon 16 (coding exon 16) of the COL1A2 gene. This alteration results from a G to A substitution at nucleotide position 775, causing the glycine (G) at amino acid position 259 to be replaced by a serine (S). for autosomal dominant COL1A2-related osteogenesis imperfecta/overlap disorder; however, its clinical significance for autosomal dominant COL1A2-related arthrochalasia type Ehlers-Danlos syndrome and autosomal recessive COL1A2-related cardiac valvular type Ehlers-Danlos syndrome is uncertain. This variant was not reported in population-based cohorts in the Genome Aggregation Database (gnomAD). This variant was reported in individual(s) with features consistent with COL1A2-related osteogenesis imperfecta/ overlap disorder (Adur, 2013). This amino acid position is highly conserved in available vertebrate species. The majority of pathogenic mutations identified to date in COL1A2 have involved the substitution of another amino acid for glycine within the triple-helical domain (Dalgleish, 1997; Marini, 2007; Bardai, 2016). Internal structural analysis indicates that this alteration disrupts the characteristic G-X-Y motif in theCOL1A2protein and inserts a bulky side chain into asterically-constrainedregion (Bella, 1994; Hohenester, 2008; Ambry internal data). This alteration is predicted to be deleterious by in silico analysis. Based on the available evidence, this alteration is classified as likely pathogenic.

GeneDx
Classification: Pathogenic. Last evaluated: 2024-08-23. Review status: criteria provided, single submitter. Criteria: GeneDx Variant Classification Process June 2021. Collection method: clinical testing. Allele origin: germline. Affected: yes.
Comment: Observed in a proband with severe OI with frequent bone fractures, moderate bone deformity, and short stature; another variant in COL1A1 was also present in this individual (PMID: 23869235); Not observed at significant frequency in large population cohorts (gnomAD); In silico analysis supports that this missense variant has a deleterious effect on protein structure/function; Occurs in the triple helical domain and replaces a glycine in a canonical Gly-X-Y repeat; missense substitution of a canonical glycine residue is expected to disrupt normal protein folding and function, and this is an established mechanism of disease (PMID: 34007986); This variant is associated with the following publications: (PMID: 34007986, 23869235)

Juno Genomics, Hangzhou Juno Genomics, Inc
Classification: Likely pathogenic for Osteoporosis; Combined osteogenesis imperfecta and Ehlers-Danlos syndrome 2; Ehlers-Danlos syndrome, arthrochalasia type, 2; Ehlers-Danlos syndrome, cardiac valvular type; Osteogenesis imperfecta, perinatal lethal; Osteogenesis imperfecta type III; Osteogenesis imperfecta with normal sclerae, dominant form. Review status: criteria provided, single submitter. Criteria: ACMG Guidelines, 2015. Collection method: clinical testing. Allele origin: germline.
Comment: Absent from controls (or at extremely low frequency if recessive) in Genome Aggregation Database.;Multiple lines of computational evidence support a deleterious effect on the gene or gene product.;Missense variant in a gene that has a low rate of benign missense variation.

Literature cited by the submitters: PubMed 7695699 (cited by Ambry Genetics); PubMed 9016532 (cited by Ambry Genetics); PubMed 17078022 (cited by Ambry Genetics); PubMed 19011090 (cited by Ambry Genetics); PubMed 23869235 (cited by Ambry Genetics); PubMed 27509835 (cited by Ambry Genetics).